The following is an entry in ClinVar:

NM_002317.7(LOX):c.770A>G (p.Tyr257Cys)

Genes: LOX (lysyl oxidase; minus strand), SRFBP1 (serum response factor binding protein 1; plus strand). Cytogenetic location: 5q23.1.
Variant type: single nucleotide variant.
Coding change: c.770A>G on transcript NM_002317.7 (MANE Select); coding-DNA position 770, A replaced by G.
Protein change: p.Tyr257Cys; replaces tyrosine 257 with cysteine.
Molecular consequence: missense variant. On other transcripts: 5 prime UTR variant (1).
Genome position (GRCh38, 1-based): chr5:122,075,512, T>C on the plus strand (A>G on the coding strand, the complement: LOX is on the minus strand). VCF-style: chr5-122075512-T-C. GRCh37 (hg19) VCF-style: chr5-121411207-T-C.
Other names: c.80A>G, p.Tyr27Cys (NM_001178102.2); c.-122A>G (NM_001317073.1); short protein forms Y257C, Y27C.
Identifiers: ClinVar variation 3645218 (VCV003645218.2).

ClinVar aggregate classification (germline): Uncertain significance (1 of 4 stars; one submission).

Submission:

Labcorp Genetics (formerly Invitae), Labcorp
Classification: Uncertain significance. Last evaluated: 2025-11-24. Review status: criteria provided, single submitter. Criteria: Invitae Variant Classification Sherloc (09022015). Collection method: clinical testing. Allele origin: germline.
Comment: This sequence change replaces tyrosine, which is neutral and polar, with cysteine, which is neutral and slightly polar, at codon 257 of the LOX protein (p.Tyr257Cys). This variant is not present in population databases (gnomAD no frequency). This variant has not been reported in the literature in individuals affected with LOX-related conditions. ClinVar contains an entry for this variant (Variation ID: 3645218). Invitae Evidence Modeling of protein sequence and biophysical properties (such as structural, functional, and spatial information, amino acid conservation, physicochemical variation, residue mobility, and thermodynamic stability) has been performed for this missense variant. However, the output from this modeling did not meet the statistical confidence thresholds required to predict the impact of this variant on LOX protein function. In summary, the available evidence is currently insufficient to determine the role of this variant in disease. Therefore, it has been classified as a Variant of Uncertain Significance.